The following is an entry in ClinVar:

NC_000002.12:g.(?_110168442)_(110204968_?)dup

Gene: NPHP1 (nephrocystin 1; minus strand). Cytogenetic location: 2q13.
Variant type: Duplication.
Identifiers: ClinVar variation 830753 (VCV000830753.4).

ClinVar aggregate classification (germline): Uncertain significance (1 of 4 stars; one submission).

Conditions:
Nephronophthisis. Also called: Juvenile Nephronophthisis. Identifiers: Orphanet 655, MedGen C0687120, MONDO:0019005, HP:0000090.

Submission:

Labcorp Genetics (formerly Invitae), Labcorp
Classification: Uncertain significance for Nephronophthisis. Last evaluated: 2022-11-29. Review status: criteria provided, single submitter. Criteria: Invitae Variant Classification Sherloc (09022015). Collection method: clinical testing. Allele origin: germline.
Comment: In summary, the available evidence is currently insufficient to determine the role of this variant in disease. Therefore, it has been classified as a Variant of Uncertain Significance. This variant has not been reported in the literature in individuals affected with NPHP1-related conditions. This variant results in a copy number gain of the genomic region encompassing exon(s) 1-6 of the NPHP1 gene. This region includes the initiator codon of the gene. This copy number gain extends beyond the assayed region for this gene and therefore may encompass additional genes. As the precise location of this event is unknown, it may be in tandem or it may be located elsewhere in the genome.